The following is an entry in ClinVar:

ClinVar aggregate classification (germline): Uncertain significance (1 of 4 stars; one submission).

Allele frequency attached by ClinVar (database versions not stated): ESP Exome Variant Server 0.00031.
gnomAD v4.1: 200 of 1,599,604 alleles (0.013%); highest among the groups gnomAD compares: African/African-American, 0.027%; no homozygotes.

Submission:

GeneDx
Classification: Uncertain significance. Last evaluated: 2024-03-08. Review status: criteria provided, single submitter. Criteria: GeneDx Variant Classification Process June 2021. Collection method: clinical testing. Allele origin: germline. Affected: yes.
Comment: In silico analysis supports that this missense variant does not alter protein structure/function; Has not been previously published as pathogenic or benign to our knowledge

NM_004667.6(HERC2):c.8944G>T (p.Val2982Phe)

Gene: HERC2 (HECT and RLD domain containing E3 ubiquitin protein ligase 2; minus strand). Cytogenetic location: 15q13.1.
Variant type: single nucleotide variant.
Coding change: c.8944G>T on transcript NM_004667.6 (MANE Select); coding-DNA position 8944, G replaced by T.
Protein change: p.Val2982Phe; replaces valine 2982 with phenylalanine.
Molecular consequence: missense variant.
Genome position (GRCh38, 1-based): chr15:28,179,217, C>A on the plus strand (G>T on the coding strand, the complement: HERC2 is on the minus strand). VCF-style: chr15-28179217-C-A. GRCh37 (hg19) VCF-style: chr15-28424363-C-A.
Other names: short protein forms V2982F.
Identifiers: ClinVar variation 1318758 (VCV001318758.3), dbSNP rs137879939, ClinGen allele CA7441310.